The following is an entry in ClinVar:

ClinVar aggregate classification (germline): Uncertain significance. Review status: criteria provided, multiple submitters, no conflicts (2 of 4 stars). 3 submissions from 3 submitters: Uncertain significance (2). 1 of the submissions does not count toward it. Last evaluated 2022-05-11.

Conditions:
Charcot-Marie-Tooth disease type 2. Also called: Charcot-Marie-Tooth type 2. Identifiers: Orphanet 64746, MedGen C0270914, MONDO:0018993.
Inborn genetic diseases. Identifiers: MedGen C0950123, MeSH D030342.
BSCL2-related disorder. Also called: BSCL2-related condition; BSCL2-Related Disorders.

Allele frequency attached by ClinVar (database versions not stated): TOPMed below 0.00001; gnomAD exomes 0.00001.
gnomAD v4.1: 5 of 1,614,008 alleles (0.00031%); highest among the groups gnomAD compares: Admixed American, 0.005%; no homozygotes.

Submissions (3):

Labcorp Genetics (formerly Invitae), Labcorp
Classification: Uncertain significance for Charcot-Marie-Tooth disease type 2. Last evaluated: 2022-05-11. Review status: criteria provided, single submitter. Criteria: Invitae Variant Classification Sherloc (09022015). Collection method: clinical testing. Allele origin: germline.
Comment: Algorithms developed to predict the effect of missense changes on protein structure and function (SIFT, PolyPhen-2, Align-GVGD) all suggest that this variant is likely to be tolerated. This sequence change replaces proline, which is neutral and non-polar, with leucine, which is neutral and non-polar, at codon 343 of the BSCL2 protein (p.Pro343Leu). This variant is present in population databases (no rsID available, gnomAD 0.003%). This variant has not been reported in the literature in individuals affected with BSCL2-related conditions. In summary, the available evidence is currently insufficient to determine the role of this variant in disease. Therefore, it has been classified as a Variant of Uncertain Significance.

Ambry Genetics
Classification: Uncertain significance for Inborn genetic diseases. Last evaluated: 2021-08-10. Review status: criteria provided, single submitter. Criteria: Ambry Variant Classification Scheme 2023. Collection method: clinical testing. Allele origin: germline.

PreventionGenetics, part of Exact Sciences
Classification: Uncertain significance for BSCL2-related condition. Last evaluated: 2024-09-24. Review status: no assertion criteria provided. Collection method: clinical testing. Allele origin: germline. Not counted in ClinVar's aggregate classification.
Comment: The BSCL2 c.1220C>T variant is predicted to result in the amino acid substitution p.Pro407Leu. This variant is reported in 0.0029% of alleles in individuals of Latino descent in gnomAD. At this time, the clinical significance of this variant is uncertain due to the absence of conclusive functional and genetic evidence.

NM_001122955.4(BSCL2):c.1220C>T (p.Pro407Leu)

Genes: BSCL2 (BSCL2 lipid droplet biogenesis associated, seipin; minus strand), HNRNPUL2-BSCL2 (HNRNPUL2-BSCL2 readthrough (NMD candidate); minus strand). Cytogenetic location: 11q12.3.
Variant type: single nucleotide variant.
Coding change: c.1220C>T on transcript NM_001122955.4 (MANE Select); coding-DNA position 1220, C replaced by T.
Protein change: p.Pro407Leu; replaces proline 407 with leucine.
Molecular consequence: missense variant. On other transcripts: non-coding transcript variant (1), 3 prime UTR variant (1).
Genome position (GRCh38, 1-based): chr11:62,690,626, G>A on the plus strand (C>T on the coding strand, the complement: BSCL2 is on the minus strand). VCF-style: chr11-62690626-G-A. GRCh37 (hg19) VCF-style: chr11-62458098-G-A.
Other names: c.*22C>T (NM_001130702.2); c.1226C>T, p.Pro409Leu (NM_001386027.1); c.1220C>T, p.Pro407Leu (NM_001386028.1); c.1028C>T, p.Pro343Leu (NM_032667.6); short protein forms P407L, P343L, P409L.
Identifiers: ClinVar variation 2080463 (VCV002080463.6), dbSNP rs925294616, ClinGen allele CA223628069.